The following is an entry in ClinVar:

NM_000051.4(ATM):c.3835T>C (p.Trp1279Arg)

Gene: ATM (ATM serine/threonine kinase; plus strand). Cytogenetic location: 11q22.3.
Variant type: single nucleotide variant.
Coding change: c.3835T>C on transcript NM_000051.4 (MANE Select); coding-DNA position 3835, T replaced by C.
Protein change: p.Trp1279Arg; replaces tryptophan 1279 with arginine.
Molecular consequence: missense variant.
Genome position (GRCh38, 1-based): chr11:108,284,315, T>C. VCF-style: chr11-108284315-T-C. GRCh37 (hg19) VCF-style: chr11-108155042-T-C.
Other names: c.3835T>C, p.Trp1279Arg (NM_001351834.2); short protein forms W1279R.
Identifiers: ClinVar variation 2697234 (VCV002697234.3), dbSNP rs2546886564, ClinGen allele CA382525026.

ClinVar aggregate classification (germline): Uncertain significance (1 of 4 stars; one submission).

Conditions:
Ataxia-telangiectasia syndrome (AT). Also called: Cerebello-oculocutaneous telangiectasia; Immunodeficiency with ataxia telangiectasia; Ataxia-telangiectasia, complementation group E; LOUIS-BAR SYNDROME; Ataxia telangiectasia (A-T); AT, COMPLEMENTATION GROUP C. Identifiers: Orphanet 100, MedGen C0004135, MONDO:0008840, OMIM 208900.

Submission:

Labcorp Genetics (formerly Invitae), Labcorp
Classification: Uncertain significance for Ataxia-telangiectasia syndrome. Last evaluated: 2023-11-19. Review status: criteria provided, single submitter. Criteria: Invitae Variant Classification Sherloc (09022015). Collection method: clinical testing. Allele origin: germline.
Comment: This sequence change replaces tryptophan, which is neutral and slightly polar, with arginine, which is basic and polar, at codon 1279 of the ATM protein (p.Trp1279Arg). This variant is not present in population databases (gnomAD no frequency). This variant has not been reported in the literature in individuals affected with ATM-related conditions. An algorithm developed to predict the effect of missense changes on protein structure and function (PolyPhen-2) suggests that this variant is likely to be tolerated. In summary, the available evidence is currently insufficient to determine the role of this variant in disease. Therefore, it has been classified as a Variant of Uncertain Significance.